The following is an entry in ClinVar:

ClinVar aggregate classification (germline): Uncertain significance (1 of 4 stars; one submission).

Conditions:
Early Myoclonic Encephalopathy. Identifiers: MedGen C0270855.

gnomAD v4.1: 2 of 1,613,246 alleles (0.00012%); highest among the groups gnomAD compares: Non-Finnish European, 0.00017%; no homozygotes.

Submission:

Labcorp Genetics (formerly Invitae), Labcorp
Classification: Uncertain significance for Early Myoclonic Encephalopathy. Last evaluated: 2023-02-25. Review status: criteria provided, single submitter. Criteria: Invitae Variant Classification Sherloc (09022015). Collection method: clinical testing. Allele origin: germline.
Comment: In summary, the available evidence is currently insufficient to determine the role of this variant in disease. Therefore, it has been classified as a Variant of Uncertain Significance. Advanced modeling of protein sequence and biophysical properties (such as structural, functional, and spatial information, amino acid conservation, physicochemical variation, residue mobility, and thermodynamic stability) performed at Invitae indicates that this missense variant is not expected to disrupt KCND2 protein function. This variant has not been reported in the literature in individuals affected with KCND2-related conditions. This variant is not present in population databases (gnomAD no frequency). This sequence change replaces serine, which is neutral and polar, with arginine, which is basic and polar, at codon 438 of the KCND2 protein (p.Ser438Arg).

NM_012281.3(KCND2):c.1314C>A (p.Ser438Arg)

Gene: KCND2 (potassium voltage-gated channel subfamily D member 2; plus strand). Cytogenetic location: 7q31.31.
Variant type: single nucleotide variant.
Coding change: c.1314C>A on transcript NM_012281.3 (MANE Select); coding-DNA position 1314, C replaced by A.
Protein change: p.Ser438Arg; replaces serine 438 with arginine.
Molecular consequence: missense variant.
Genome position (GRCh38, 1-based): chr7:120,741,569, C>A. VCF-style: chr7-120741569-C-A. GRCh37 (hg19) VCF-style: chr7-120381623-C-A.
Other names: short protein forms S438R.
Identifiers: ClinVar variation 2840818 (VCV002840818.3), dbSNP rs758879867, ClinGen allele CA369134418.